The following is an entry in ClinVar:

NM_001739.2(CA5A):c.445G>A (p.Ala149Thr)

Gene: CA5A (carbonic anhydrase 5A; minus strand). Cytogenetic location: 16q24.2.
Variant type: single nucleotide variant.
Coding change: c.445G>A on transcript NM_001739.2 (MANE Select); coding-DNA position 445, G replaced by A.
Protein change: p.Ala149Thr; replaces alanine 149 with threonine.
Molecular consequence: missense variant. On other transcripts: non-coding transcript variant (1).
Genome position (GRCh38, 1-based): chr16:87,904,800, C>T on the plus strand (G>A on the coding strand, the complement: CA5A is on the minus strand). VCF-style: chr16-87904800-C-T. GRCh37 (hg19) VCF-style: chr16-87938406-C-T.
Other names: c.445G>A, p.Ala149Thr (NM_001367225.1); c.445G>A (NM_001739.1); short protein forms A149T.
Identifiers: ClinVar variation 1416597 (VCV001416597.6), dbSNP rs553819990, ClinGen allele CA8223492.

ClinVar aggregate classification (germline): Uncertain significance. Review status: criteria provided, multiple submitters, no conflicts (2 of 4 stars). 2 submissions from 2 submitters: Uncertain significance (2). Last evaluated 2025-04-01.

Conditions:
Inborn genetic diseases. Identifiers: MedGen C0950123, MeSH D030342.
Hyperammonemic encephalopathy due to carbonic anhydrase VA deficiency. Also called: Carbonic anhydrase VA deficiency, hyperammonemia due to; Carbonic Anhydrase VA Deficiency. Identifiers: Orphanet 401948, MedGen C4706871, MONDO:0014332, OMIM 615751.

Allele frequency attached by ClinVar (database versions not stated): TOPMed 0.00001; gnomAD 0.00002 and 0.00003; gnomAD exomes 0.00002 and 0.00004; ExAC 0.00005; 1000 Genomes Project 30x 0.00016; 1000 Genomes Project 0.00020.
gnomAD v4.1: 33 of 1,606,634 alleles (0.0021%); highest among the groups gnomAD compares: South Asian, 0.023%; no homozygotes.

Submissions (2):

Ambry Genetics
Classification: Uncertain significance for Inborn genetic diseases. Last evaluated: 2025-04-01. Review status: criteria provided, single submitter. Criteria: Ambry Variant Classification Scheme 2023. Collection method: clinical testing. Allele origin: germline.

Labcorp Genetics (formerly Invitae), Labcorp
Classification: Uncertain significance for Hyperammonemic encephalopathy due to carbonic anhydrase VA deficiency. Last evaluated: 2021-08-28. Review status: criteria provided, single submitter. Criteria: Invitae Variant Classification Sherloc (09022015). Collection method: clinical testing. Allele origin: germline.
Comment: In summary, the available evidence is currently insufficient to determine the role of this variant in disease. Therefore, it has been classified as a Variant of Uncertain Significance. Algorithms developed to predict the effect of missense changes on protein structure and function output the following: SIFT: "Tolerated"; PolyPhen-2: "Benign"; Align-GVGD: "Class C0". The threonine amino acid residue is found in multiple mammalian species, which suggests that this missense change does not adversely affect protein function. This variant has not been reported in the literature in individuals affected with CA5A-related conditions. This variant is present in population databases (rs553819990, ExAC 0.04%). This sequence change replaces alanine with threonine at codon 149 of the CA5A protein (p.Ala149Thr). The alanine residue is weakly conserved and there is a small physicochemical difference between alanine and threonine.